The following is an entry in ClinVar:

NM_001042492.3(NF1):c.1261-1G>C

Gene: NF1 (neurofibromin 1; plus strand). Cytogenetic location: 17q11.2.
Variant type: single nucleotide variant.
Coding change: c.1261-1G>C on transcript NM_001042492.3 (MANE Select); the canonical splice acceptor site of the intron before coding-DNA position 1261, G replaced by C.
Molecular consequence: splice acceptor variant.
Genome position (GRCh38, 1-based): chr17:31,206,239, G>C. VCF-style: chr17-31206239-G-C. GRCh37 (hg19) VCF-style: chr17-29533257-G-C.
Other names: c.1261-1G>C (NM_000267.4, NM_001128147.3, NM_000267.3).
Identifiers: ClinVar variation 2910416 (VCV002910416.6), dbSNP rs2066618707, ClinGen allele CA398999049.

ClinVar aggregate classification (germline): Pathogenic/Likely pathogenic. Review status: criteria provided, multiple submitters, no conflicts (2 of 4 stars). 4 submissions from 4 submitters: Pathogenic (3); Likely pathogenic (1). Last evaluated 2025-03-12.

Conditions:
Neurofibromatosis, type 1 (NF1). Also called: Neurofibromatosis, type I; NEUROFIBROMATOSIS, TYPE I, SOMATIC; Peripheral type neurofibromatosis; VON RECKLINGHAUSEN DISEASE. Identifiers: Orphanet 636, MedGen C0027831, MONDO:0018975, OMIM 162200. Disease mechanism: loss of function.
Hereditary cancer-predisposing syndrome. Also called: Neoplastic Syndromes, Hereditary; Tumor predisposition; Hereditary neoplastic syndrome; Hereditary Cancer Syndrome. Identifiers: Orphanet 140162, MedGen C0027672, MeSH D009386, MONDO:0015356.
Cardiovascular phenotype. Identifiers: MedGen CN230736.

Submissions (4):

Ambry Genetics
Classification: Likely pathogenic for Cardiovascular phenotype; Hereditary cancer-predisposing syndrome. Last evaluated: 2025-03-12. Review status: criteria provided, single submitter. Criteria: Ambry Variant Classification Scheme 2023. Collection method: clinical testing. Allele origin: germline.
Comment: The c.1261-1G>C intronic variant results from a G to C substitution one nucleotide upstream from coding exon 12 of the NF1 gene. This variant was reported in individual(s) with features consistent with neurofibromatosis type 1 (NF1) (Corsello G et al. Ital J Pediatr, 2018 Apr;44:45; Freire BL et al. J Clin Endocrinol Metab, 2019 Jun;104:2023-2030; Ambry internal data). This nucleotide position is highly conserved in available vertebrate species. In silico splice site analysis predicts that this alteration will weaken the native splice acceptor site and will result in the creation or strengthening of a novel splice acceptor site. RNA studies have demonstrated that this alteration results in abnormal splicing in the set of samples tested (Ambry internal data). Other variant(s) impacting the same acceptor site (c.1261-2A>G and c.1261-5_1262delTCTAGTC) have been shown to have a similar impact on splicing in individual(s) with features consistent with NF1 (Pros E et al. Hum Mutat, 2008 Sep;29:E173-93; Ambry internal data). c.1261-1G>C is considered to be rare based on population cohorts in the Genome Aggregation Database (gnomAD). Based on the majority of available evidence to date, this variant is likely to be pathogenic.

GeneDx
Classification: Pathogenic. Last evaluated: 2024-05-20. Review status: criteria provided, single submitter. Criteria: GeneDx Variant Classification Process June 2021. Collection method: clinical testing. Allele origin: germline. Affected: yes.
Comment: Canonical splice site variant predicted to result in an in-frame loss of the adjacent exon in a gene for which loss of function is a known mechanism of disease; Deletions involving coding exons of this gene are a known mechanism of disease (HGMD); Not observed at significant frequency in large population cohorts (gnomAD); This variant is associated with the following publications: (PMID: 29618358, 36243179, 30602027, 30530636)

3billion
Classification: Pathogenic for Neurofibromatosis, type 1. Last evaluated: 2024-03-15. Review status: criteria provided, single submitter. Criteria: ACMG Guidelines, 2015. Collection method: clinical testing. Allele origin: germline. Affected: yes.
Comment: The variant is not observed in the gnomAD v2.1.1 dataset. Predicted Consequence/Location: Canonical splice site: predicted to alter splicing and result in a loss or disruption of normal protein function. Multiple pathogenic loss-of-function variants are reported downstream of the variant. The variant has been reported to be associated with NF1 related disorder (PMID: 29618358). Therefore, this variant is classified as Pathogenic according to the recommendation of ACMG/AMP guideline.

Labcorp Genetics (formerly Invitae), Labcorp
Classification: Pathogenic for Neurofibromatosis, type 1. Last evaluated: 2023-11-24. Review status: criteria provided, single submitter. Criteria: Invitae Variant Classification Sherloc (09022015). Collection method: clinical testing. Allele origin: germline.
Comment: This sequence change affects an acceptor splice site in intron 11 of the NF1 gene. It is expected to disrupt RNA splicing. Variants that disrupt the donor or acceptor splice site typically lead to a loss of protein function (PMID: 16199547), and loss-of-function variants in NF1 are known to be pathogenic (PMID: 10712197, 23913538). This variant is not present in population databases (gnomAD no frequency). Disruption of this splice site has been observed in individual(s) with neurofibromatosis type 1 (PMID: 29618358, 30602027). Algorithms developed to predict the effect of sequence changes on RNA splicing suggest that this variant may disrupt the consensus splice site. For these reasons, this variant has been classified as Pathogenic.

Literature cited by the submitters: PubMed 29618358 (cited by 3 submitters); PubMed 30602027 (cited by Ambry Genetics and Labcorp Genetics (formerly Invitae), Labcorp); PubMed 16199547 (cited by Labcorp Genetics (formerly Invitae), Labcorp); PubMed 10712197 (cited by Labcorp Genetics (formerly Invitae), Labcorp); PubMed 23913538 (cited by Labcorp Genetics (formerly Invitae), Labcorp).